The following is an entry in ClinVar:

NM_007259.5(VPS45):c.777A>T (p.Leu259Phe)

Gene: VPS45 (vacuolar protein sorting 45 homolog; plus strand). Cytogenetic location: 1q21.2.
Variant type: single nucleotide variant.
Coding change: c.777A>T on transcript NM_007259.5 (MANE Select); coding-DNA position 777, A replaced by T.
Protein change: p.Leu259Phe; replaces leucine 259 with phenylalanine.
Molecular consequence: missense variant. On other transcripts: non-coding transcript variant (1).
Genome position (GRCh38, 1-based): chr1:150,081,431, A>T. VCF-style: chr1-150081431-A-T. GRCh37 (hg19) VCF-style: chr1-150053513-A-T.
Other names: c.462A>T, p.Leu154Phe (NM_001279353.2); c.669A>T, p.Leu223Phe (NM_001279354.2); short protein forms L154F, L223F, L259F.
Identifiers: ClinVar variation 1472666 (VCV001472666.6), dbSNP rs2101534236, ClinGen allele CA342250590.

ClinVar aggregate classification (germline): Uncertain significance (1 of 4 stars; one submission).

Conditions:
Congenital neutropenia-myelofibrosis-nephromegaly syndrome. Also called: Severe congenital neutropenia 5, autosomal recessive. Identifiers: Orphanet 369852, MedGen C3809031, MONDO:0014118, OMIM 615285.

Submission:

Labcorp Genetics (formerly Invitae), Labcorp
Classification: Uncertain significance for Congenital neutropenia-myelofibrosis-nephromegaly syndrome. Last evaluated: 2024-02-17. Review status: criteria provided, single submitter. Criteria: Invitae Variant Classification Sherloc (09022015). Collection method: clinical testing. Allele origin: germline.
Comment: This sequence change replaces leucine, which is neutral and non-polar, with phenylalanine, which is neutral and non-polar, at codon 259 of the VPS45 protein (p.Leu259Phe). This variant is not present in population databases (gnomAD no frequency). This variant has not been reported in the literature in individuals affected with VPS45-related conditions. ClinVar contains an entry for this variant (Variation ID: 1472666). Advanced modeling of protein sequence and biophysical properties (such as structural, functional, and spatial information, amino acid conservation, physicochemical variation, residue mobility, and thermodynamic stability) performed at Invitae indicates that this missense variant is not expected to disrupt VPS45 protein function with a negative predictive value of 80%. In summary, the available evidence is currently insufficient to determine the role of this variant in disease. Therefore, it has been classified as a Variant of Uncertain Significance.